The following is an entry in ClinVar:

ClinVar aggregate classification (germline): Uncertain significance (1 of 4 stars; one submission).

Conditions:
Familial thoracic aortic aneurysm and aortic dissection (TAAD). Also called: Thoracic aortic aneurysms and dissections. Identifiers: Orphanet 91387, MedGen C4707243, MONDO:0019625.

Submission:

Color Diagnostics, LLC DBA Color Health
Classification: Uncertain significance for Familial thoracic aortic aneurysm and aortic dissection. Last evaluated: 2021-08-05. Review status: criteria provided, single submitter. Criteria: ACMG Guidelines, 2015. Collection method: clinical testing. Allele origin: germline.
Comment: This missense variant replaces valine with leucine at codon 1766 of the MYH11 protein. Computational prediction suggests that this variant may not impact protein structure and function (internally defined REVEL score threshold <= 0.5, PMID: 27666373). To our knowledge, functional studies have not been reported for this variant. This variant has not been reported in individuals affected with cardiovascular disorders in the literature. This variant has not been identified in the general population by the Genome Aggregation Database (gnomAD). The available evidence is insufficient to determine the role of this variant in disease conclusively. Therefore, this variant is classified as a Variant of Uncertain Significance.

NM_002474.3(MYH11):c.5275G>C (p.Val1759Leu)

Genes: NDE1 (nudE neurodevelopment protein 1; plus strand), MYH11 (myosin heavy chain 11; minus strand). Cytogenetic location: 16p13.11.
Variant type: single nucleotide variant.
Coding change: c.5275G>C on transcript NM_002474.3 (MANE Select); coding-DNA position 5275, G replaced by C.
Protein change: p.Val1759Leu; replaces valine 1759 with leucine.
Molecular consequence: missense variant. On other transcripts: intron variant (2).
Genome position (GRCh38, 1-based): chr16:15,718,335, C>G on the plus strand (G>C on the coding strand, the complement: MYH11 is on the minus strand). VCF-style: chr16-15718335-C-G. GRCh37 (hg19) VCF-style: chr16-15812192-C-G.
Other names: c.5296G>C, p.Val1766Leu (NM_001040113.2, NM_001040114.2); c.5275G>C, p.Val1759Leu (NM_022844.3); c.948-5856C>G (NM_001143979.2, NM_017668.3); short protein forms V1759L, V1766L.
Identifiers: ClinVar variation 2773794 (VCV002773794.2), dbSNP rs138059405, ClinGen allele CA394849873.